The following is an entry in ClinVar:

ClinVar aggregate classification (germline): Pathogenic/Likely pathogenic. Review status: criteria provided, multiple submitters, no conflicts (2 of 4 stars). 2 submissions from 2 submitters: Pathogenic (1); Likely pathogenic (1). Last evaluated 2026-01-21.

Conditions:
Cardiovascular phenotype. Identifiers: MedGen CN230736.
Autosomal recessive limb-girdle muscular dystrophy type 2J (LGMDR10). Also called: Limb-girdle muscular dystrophy, type 2J; MUSCULAR DYSTROPHY, LIMB-GIRDLE, AUTOSOMAL RECESSIVE 10. Identifiers: Orphanet 140922, MedGen C1837342, MONDO:0012127, OMIM 608807.
Dilated cardiomyopathy 1G (CMD1G). Identifiers: Orphanet 154, MedGen C1858763, MONDO:0011400, OMIM 604145.

gnomAD v4.1: 2 of 1,613,330 alleles (0.00012%); highest among the groups gnomAD compares: Admixed American, 0.0017%; no homozygotes.

Submissions (2):

Labcorp Genetics (formerly Invitae), Labcorp
Classification: Pathogenic for Dilated cardiomyopathy 1G; Autosomal recessive limb-girdle muscular dystrophy type 2J. Last evaluated: 2026-01-21. Review status: criteria provided, single submitter. Criteria: Invitae Variant Classification Sherloc (09022015). Collection method: clinical testing. Allele origin: germline.
Comment: This sequence change creates a premature translational stop signal (p.Arg26432*) in the TTN gene. While this is not anticipated to result in nonsense mediated decay, it is expected to create a truncated TTN protein. This variant is present in population databases (rs774411587, gnomAD 0.006%). This premature translational stop signal has been observed in individuals with dilated cardiomyopathy (internal data). ClinVar contains an entry for this variant (Variation ID: 466659). This variant is located in the A band of TTN (PMID: 25589632). Truncating variants in this region are significantly overrepresented in patients affected with dilated cardiomyopathy (PMID: 25589632). Truncating variants in this region have also been reported in individuals affected with autosomal recessive centronuclear myopathy (PMID: 23975875). For these reasons, this variant has been classified as Pathogenic.

Ambry Genetics
Classification: Likely pathogenic for Cardiovascular phenotype. Last evaluated: 2022-09-06. Review status: criteria provided, single submitter. Criteria: Ambry Variant Classification Scheme 2023. Collection method: clinical testing. Allele origin: germline.
Comment: The p.R17367* variant (also known as c.52099C>T), located in coding exon 153 of the TTN gene, results from a C to T substitution at nucleotide position 52099. This changes the amino acid from an arginine to a stop codon within coding exon 153. This exon is located in the A-band region of the N2-B isoform of the titin protein and is constitutively expressed in TTN transcripts (percent spliced in or PSI 100%). This alteration is expected to result in loss of function by premature protein truncation or nonsense-mediated mRNA decay. While truncating variants in TTN are present in 1-3% of the general population, truncating variants in the A-band are the most common cause of dilated cardiomyopathy (DCM) (Herman DS et al. N. Engl. J. Med., 2012 Feb;366:619-28; Roberts AM et al. Sci Transl Med, 2015 Jan;7:270ra6). TTN truncating variants encoded in constitutive exons (PSI >90%) have been found to be significantly associated with DCM regardless of their position in titin (Schafer S et al. Nat. Genet., 2017 01;49:46-53). Based on the majority of available evidence to date, this variant is likely to be pathogenic.

Literature cited by the submitters: PubMed 25589632 (cited by Labcorp Genetics (formerly Invitae), Labcorp); PubMed 23975875 (cited by Labcorp Genetics (formerly Invitae), Labcorp).

NM_001267550.2(TTN):c.79294C>T (p.Arg26432Ter)

Genes: TTN-AS1 (TTN antisense RNA 1; plus strand), TTN (titin; minus strand). Cytogenetic location: 2q31.2.
Variant type: single nucleotide variant.
Coding change: c.79294C>T on transcript NM_001267550.2 (MANE Select); coding-DNA position 79294, C replaced by T.
Protein change: p.Arg26432Ter; replaces arginine 26432 with a stop codon.
Molecular consequence: nonsense.
Genome position (GRCh38, 1-based): chr2:178,566,838, G>A on the plus strand (C>T on the coding strand, the complement: TTN is on the minus strand). VCF-style: chr2-178566838-G-A. GRCh37 (hg19) VCF-style: chr2-179431565-G-A.
Other names: c.74371C>T, p.Arg24791Ter (NM_001256850.1); c.52099C>T, p.Arg17367Ter (NM_003319.4); c.71590C>T, p.Arg23864Ter (NM_133378.4); c.52474C>T, p.Arg17492Ter (NM_133432.3); c.52675C>T, p.Arg17559Ter (NM_133437.4); short protein forms R26432*, R17492*, R24791*, R17559*, R23864*, R17367*.
Identifiers: ClinVar variation 466659 (VCV000466659.12), dbSNP rs774411587, ClinGen allele CA1989495.